The following is an entry in ClinVar:

ClinVar aggregate classification (germline): Uncertain significance (1 of 4 stars; one submission).

Allele frequency attached by ClinVar (database versions not stated): gnomAD exomes below 0.00001.
gnomAD v4.1: 1 of 1,614,176 alleles (0.000062%); highest among the groups gnomAD compares: African/African-American, 0.0013%; no homozygotes.

Submission:

Ambry Genetics
Classification: Uncertain significance. Last evaluated: 2021-12-11. Review status: criteria provided, single submitter. Criteria: Ambry Variant Classification Scheme 2023. Collection method: clinical testing. Allele origin: germline.
Comment: The p.F832I variant (also known as c.2494T>A), located in coding exon 1 of the MLH3 gene, results from a T to A substitution at nucleotide position 2494. The phenylalanine at codon 832 is replaced by isoleucine, an amino acid with highly similar properties. This amino acid position is conserved. In addition, this alteration is predicted to be tolerated by in silico analysis. Since supporting evidence is limited at this time, the clinical significance of this alteration remains unclear.

NM_001040108.2(MLH3):c.2494T>A (p.Phe832Ile)

Gene: MLH3 (mutL homolog 3; minus strand). Cytogenetic location: 14q24.3.
Variant type: single nucleotide variant.
Coding change: c.2494T>A on transcript NM_001040108.2 (MANE Select); coding-DNA position 2494, T replaced by A.
Protein change: p.Phe832Ile; replaces phenylalanine 832 with isoleucine.
Molecular consequence: missense variant.
Genome position (GRCh38, 1-based): chr14:75,047,162, A>T on the plus strand (T>A on the coding strand, the complement: MLH3 is on the minus strand). VCF-style: chr14-75047162-A-T. GRCh37 (hg19) VCF-style: chr14-75513865-A-T.
Other names: c.2494T>A, p.Phe832Ile (NM_014381.3); short protein forms F832I.
Identifiers: ClinVar variation 1792122 (VCV001792122.2), dbSNP rs2503268836, ClinGen allele CA390440187.
Genomic context (GRCh38, chr14:75,047,162, plus strand): 5'-TCATAGGACTTTCTCTCAAACTAGGCATCTGTTGTTCTAAACAATCTTCATCCTTGGAGA[A>T]TGGAAACTTCTCTGAGTTAAGGATGTGGCTTGCTGGTTGACAACTACTATCTGAATCACT-3'
Protein context (NP_001035197.1, residues 822-842): SHILNSEKFP[Phe832Ile]SKDEDCLEQQ